The following is an entry in ClinVar:

NM_021008.4(DEAF1):c.856G>A (p.Asp286Asn)

Gene: DEAF1 (DEAF1 transcription factor; minus strand). Cytogenetic location: 11p15.5.
Variant type: single nucleotide variant.
Coding change: c.856G>A on transcript NM_021008.4 (MANE Select); coding-DNA position 856, G replaced by A.
Protein change: p.Asp286Asn; replaces aspartic acid 286 with asparagine.
Molecular consequence: missense variant.
Genome position (GRCh38, 1-based): chr11:684,912, C>T on the plus strand (G>A on the coding strand, the complement: DEAF1 is on the minus strand). VCF-style: chr11-684912-C-T. GRCh37 (hg19) VCF-style: chr11-684912-C-T.
Other names: c.716G>A, p.Arg239Gln (NM_001293634.2); c.130G>A, p.Asp44Asn (NM_001367390.1); short protein forms D286N, D44N, R239Q.
Identifiers: ClinVar variation 2009848 (VCV002009848.5), dbSNP rs1860524094, ClinGen allele CA378929880.

ClinVar aggregate classification (germline): Uncertain significance. Review status: criteria provided, multiple submitters, no conflicts (2 of 4 stars). 2 submissions from 2 submitters: Uncertain significance (2). Last evaluated 2024-04-10.

Conditions:
Intellectual disability-epilepsy-extrapyramidal syndrome (NEDHELS). Also called: Dyskinesia, seizures, and intellectual developmental disorder. Identifiers: Orphanet 468620, MedGen C4310683, MONDO:0014952, OMIM 617171.

Allele frequency attached by ClinVar (database versions not stated): gnomAD exomes 0.00002.
gnomAD v4.1: 32 of 1,551,468 alleles (0.0021%); highest among the groups gnomAD compares: Middle Eastern, 0.017%; no homozygotes.

Submissions (2):

Labcorp Genetics (formerly Invitae), Labcorp
Classification: Uncertain significance. Last evaluated: 2024-04-10. Review status: criteria provided, single submitter. Criteria: Invitae Variant Classification Sherloc (09022015). Collection method: clinical testing. Allele origin: germline.
Comment: This sequence change replaces aspartic acid, which is acidic and polar, with asparagine, which is neutral and polar, at codon 286 of the DEAF1 protein (p.Asp286Asn). This variant is not present in population databases (gnomAD no frequency). This variant has not been reported in the literature in individuals affected with DEAF1-related conditions. ClinVar contains an entry for this variant (Variation ID: 2009848). Advanced modeling of protein sequence and biophysical properties (such as structural, functional, and spatial information, amino acid conservation, physicochemical variation, residue mobility, and thermodynamic stability) performed at Invitae indicates that this missense variant is expected to disrupt DEAF1 protein function with a positive predictive value of 95%. In summary, the available evidence is currently insufficient to determine the role of this variant in disease. Therefore, it has been classified as a Variant of Uncertain Significance.

Genomic Medicine Center of Excellence, King Faisal Specialist Hospital and Research Centre
Classification: Uncertain significance for Intellectual disability-epilepsy-extrapyramidal syndrome. Last evaluated: 2024-03-29. Review status: criteria provided, single submitter. Criteria: ACMG Guidelines, 2015. Collection method: clinical testing. Allele origin: germline.